The following is an entry in ClinVar:

NM_014679.5(CEP57):c.764A>T (p.Asn255Ile)

Gene: CEP57 (centrosomal protein 57; plus strand). Cytogenetic location: 11q21.
Variant type: single nucleotide variant.
Coding change: c.764A>T on transcript NM_014679.5 (MANE Select); coding-DNA position 764, A replaced by T.
Protein change: p.Asn255Ile; replaces asparagine 255 with isoleucine.
Molecular consequence: missense variant. On other transcripts: intron variant (5).
Genome position (GRCh38, 1-based): chr11:95,821,935, A>T. VCF-style: chr11-95821935-A-T. GRCh37 (hg19) VCF-style: chr11-95555099-A-T.
Other names: c.737A>T, p.Asn246Ile (NM_001243776.2); c.764A>T, p.Asn255Ile (NM_001243777.2); c.683A>T, p.Asn228Ile (NM_001363604.2, NM_001440869.1, NM_001440870.1); c.647A>T, p.Asn216Ile (NM_001440872.1, NM_001440876.1); c.584A>T, p.Asn195Ile (NM_001440873.1); c.566A>T, p.Asn189Ile (NM_001440877.1, NM_001440878.1); c.503A>T, p.Asn168Ile (NM_001440880.1); c.467A>T, p.Asn156Ile (NM_001440881.1); and 5 more; short protein forms N156I, N228I, N189I, N195I, N216I, N168I, N255I, N246I.
Identifiers: ClinVar variation 4736855 (VCV004736855.1).

ClinVar aggregate classification (germline): Uncertain significance (1 of 4 stars; one submission).

Conditions:
Mosaic variegated aneuploidy syndrome 2 (MVA2). Identifiers: Orphanet 1052, MedGen C3279843, MONDO:0013582, OMIM 614114.

gnomAD v4.1: 1 of 1,612,880 alleles (0.000062%); highest among the groups gnomAD compares: South Asian, 0.0011%; no homozygotes.

Submission:

Labcorp Genetics (formerly Invitae), Labcorp
Classification: Uncertain significance for Mosaic variegated aneuploidy syndrome 2. Last evaluated: 2025-10-29. Review status: criteria provided, single submitter. Criteria: Invitae Variant Classification Sherloc (09022015). Collection method: clinical testing. Allele origin: germline.
Comment: This sequence change replaces asparagine, which is neutral and polar, with isoleucine, which is neutral and non-polar, at codon 255 of the CEP57 protein (p.Asn255Ile). This variant is present in population databases (rs768269976, gnomAD 0.003%). This variant has not been reported in the literature in individuals affected with CEP57-related conditions. Invitae Evidence Modeling of protein sequence and biophysical properties (such as structural, functional, and spatial information, amino acid conservation, physicochemical variation, residue mobility, and thermodynamic stability) indicates that this missense variant is not expected to disrupt CEP57 protein function with a negative predictive value of 80%. In summary, the available evidence is currently insufficient to determine the role of this variant in disease. Therefore, it has been classified as a Variant of Uncertain Significance.